The following is an entry in ClinVar:

ClinVar aggregate classification (germline): Conflicting classifications of pathogenicity. Review status: criteria provided, conflicting classifications (1 of 4 stars). 6 submissions from 5 submitters: Pathogenic (3); Likely pathogenic (2); Uncertain significance (1). Last evaluated 2025-05-19.

Conditions:
PRPH2-related disorder. Also called: PRPH2-related condition; PRPH2-related disorders. Identifiers: MedGen CN239395.
Isolated macular dystrophy. Identifiers: Orphanet 519302, MedGen C5681367, MONDO:0957048.
Vitelliform macular dystrophy 3 (VMD3). Also called: PRPH2 vitelliform macular dystrophy; vitelliform macular dystrophy caused by mutation in PRPH2. Identifiers: MedGen CN295869, MONDO:0024561, OMIM 608161.
Stargardt disease (FFM). Also called: Fundus flavimaculatus; Stargardt's disease. Identifiers: Orphanet 827, MedGen C0271093, MONDO:0019353.

Allele frequency attached by ClinVar (database versions not stated): gnomAD exomes below 0.00001.
gnomAD v4.1: 1 of 1,614,152 alleles (0.000062%); highest among the groups gnomAD compares: Non-Finnish European, 0.000085%; no homozygotes.

Submissions (6):

Labcorp Genetics (formerly Invitae), Labcorp
Classification: Pathogenic for PRPH2-related disorder. Last evaluated: 2025-05-19. Review status: criteria provided, single submitter. Criteria: Invitae Variant Classification Sherloc (09022015). Collection method: clinical testing. Allele origin: germline.
Comment: This sequence change replaces serine, which is neutral and polar, with leucine, which is neutral and non-polar, at codon 218 of the PRPH2 protein (p.Ser218Leu). This variant is present in population databases (no rsID available, gnomAD 0.0009%). This missense change has been observed in individual(s) with pattern dystrophy and/or Stargardt disease (PMID: 32531858, 34240658). ClinVar contains an entry for this variant (Variation ID: 425378). Invitae Evidence Modeling of protein sequence and biophysical properties (such as structural, functional, and spatial information, amino acid conservation, physicochemical variation, residue mobility, and thermodynamic stability) indicates that this missense variant is expected to disrupt PRPH2 protein function with a positive predictive value of 95%. This variant disrupts the p.Ser218 amino acid residue in PRPH2. Other variant(s) that disrupt this residue have been determined to be pathogenic (PMID: 30718709; internal data). This suggests that this residue is clinically significant, and that variants that disrupt this residue are likely to be disease-causing. For these reasons, this variant has been classified as Pathogenic.

Institute for Clinical Genetics, University Hospital TU Dresden, University Hospital TU Dresden
Classification: Likely pathogenic for Vitelliform macular dystrophy 3. Last evaluated: 2024-07-09. Review status: criteria provided, single submitter. Criteria: ACMG Guidelines, 2015. Collection method: clinical testing. Allele origin: germline. Affected: yes.
Comment: The missense variant in the PRPH2 gene (NM_000322.5:c.653C>T, p.(Ser218Leu)) leads to an amino acid substitution at position 218 in the corresponding protein due to a base substitution at position 653 of the cDNA. Bioinformatic prediction algorithms do not indicate a generally increased sensitivity of the gene to missense variants (Z-score 0.58, PMID: 27535533) and estimate the effect of the variant on protein function as deleterious (REVEL score 0.77, PMID: 27666373). An actual effect has not yet been functionally investigated. In the ClinVar database, the variant was classified twice as pathogenic in patients with ophthalmologic diseases, once as probably pathogenic and once as a variant of unknown significance. At the same amino acid position, a further variant was classified in the ClinVar database once as pathogenic and twice as a variant of unclear significance (p.(Ser218Pro)). This variant was also found once in the literature in a person with retinitis pigmentosa (PMID: 30718709). The variant localizes to the functionally relevant tetraspanin domain, in which numerous other pathogenic missense variants cluster. In the population database gnomAD v4.1.0, the variant is listed 1 time, 0 of which are homozygous. The phenotypic abnormalities of the index person are highly specific for a PRPH2-associated disease. According to current ACMG recommendations for variant evaluation (PMID 25741868), the criteria PS4_SUP, PM1, PM2_SUP, PM5_SUP, PP3 and PP4 are fulfilled, resulting in an evaluation as a probable pathogenic variant (ACMG class 4).

Molecular Genetics Laboratory, Institute for Ophthalmic Research
Classification: Pathogenic for Stargardt disease. Last evaluated: 2020-01-09. Review status: criteria provided, single submitter. Criteria: ACMG Guidelines, 2015. Collection method: research. Allele origin: germline. Affected: yes.

Molecular Genetics Laboratory, Institute for Ophthalmic Research
Classification: Pathogenic for Isolated macular dystrophy. Last evaluated: 2020-01-09. Review status: criteria provided, single submitter. Criteria: ACMG Guidelines, 2015. Collection method: research. Allele origin: germline. Affected: yes.

Blueprint Genetics
Classification: Likely pathogenic for PRPH2-related disorders. Last evaluated: 2019-11-05. Review status: criteria provided, single submitter. Criteria: ACMG Guidelines, 2015. Collection method: clinical testing. Allele origin: germline. Affected: yes. Observed: 1 variant allele.

CeGaT Center for Human Genetics Tuebingen
Classification: Uncertain significance. Last evaluated: 2018-04-01. Review status: criteria provided, single submitter. Criteria: CeGaT Center For Human Genetics Tuebingen Variant Classification Criteria Version 2. Collection method: clinical testing. Allele origin: germline. Affected: yes. Observed: 2 variant alleles.

Literature cited by the submitters: PubMed 32531858 (cited by Labcorp Genetics (formerly Invitae), Labcorp); PubMed 34240658 (cited by Labcorp Genetics (formerly Invitae), Labcorp); PubMed 30718709 (cited by Labcorp Genetics (formerly Invitae), Labcorp).

NM_000322.5(PRPH2):c.653C>T (p.Ser218Leu)

Gene: PRPH2 (peripherin 2; minus strand). Cytogenetic location: 6p21.1.
Variant type: single nucleotide variant.
Coding change: c.653C>T on transcript NM_000322.5 (MANE Select); coding-DNA position 653, C replaced by T.
Protein change: p.Ser218Leu; replaces serine 218 with leucine.
Molecular consequence: missense variant.
Genome position (GRCh38, 1-based): chr6:42,704,540, G>A on the plus strand (C>T on the coding strand, the complement: PRPH2 is on the minus strand). VCF-style: chr6-42704540-G-A. GRCh37 (hg19) VCF-style: chr6-42672278-G-A.
Other names: short protein forms S218L.
Identifiers: ClinVar variation 425378 (VCV000425378.50), dbSNP rs986748364, ClinGen allele CA16621838.
Genomic context (GRCh38, chr6:42,704,540, plus strand): 5'-TGGTCGTAACTGTAGTGTGCTGAGTTGTTGGTGATCTGATACTGGATGCAGGGCCGTGGC[G>A]AGCTAGGATTGCAGCAGCTGAAAGGGACGCCGTCCACCAGGTACCGCCCATCCACGTTGC-3'
Protein context (NP_000313.2, residues 208-228): GVPFSCCNPS[Ser218Leu]PRPCIQYQIT